The following is an entry in ClinVar:

ClinVar aggregate classification (germline): Uncertain significance. Review status: criteria provided, multiple submitters, no conflicts (2 of 4 stars). 2 submissions from 2 submitters: Uncertain significance (2). Last evaluated 2024-03-25.

Conditions:
Inborn genetic diseases. Identifiers: MedGen C0950123, MeSH D030342.

Allele frequency attached by ClinVar (database versions not stated): gnomAD exomes 0.00001.

Submissions (2):

Ambry Genetics
Classification: Uncertain significance for Inborn genetic diseases. Last evaluated: 2024-03-25. Review status: criteria provided, single submitter. Criteria: Ambry Variant Classification Scheme 2023. Collection method: clinical testing. Allele origin: germline.

Laboratory for Molecular Medicine, Mass General Brigham Personalized Medicine
Classification: Uncertain significance. Last evaluated: 2013-10-31. Review status: criteria provided, single submitter. Criteria: LMM Criteria. Collection method: clinical testing. Allele origin: germline. Observed: 1 variant allele.
Comment: The Thr676Ala variant in ESPN has not been previously reported in individuals wi th hearing loss. Frequency data from large populations studies is insufficient. Computational analyses (biochemical amino acid properties, conservation, AlignGV GD, PolyPhen2, and SIFT) do not provide strong support for or against an impact to the protein. In summary, additional data is needed to determine the clinical significance of this variant.

NM_031475.3(ESPN):c.2026A>G (p.Thr676Ala)

Gene: ESPN (espin; plus strand). Cytogenetic location: 1p36.31.
Variant type: single nucleotide variant.
Coding change: c.2026A>G on transcript NM_031475.3 (MANE Select); coding-DNA position 2026, A replaced by G.
Protein change: p.Thr676Ala; replaces threonine 676 with alanine.
Molecular consequence: missense variant.
Genome position (GRCh38, 1-based): chr1:6,451,713, A>G. VCF-style: chr1-6451713-A-G. GRCh37 (hg19) VCF-style: chr1-6511773-A-G.
Other names: c.1936A>G, p.Thr646Ala (NM_001367473.1); c.1963A>G, p.Thr655Ala (NM_001367474.1); short protein forms T676A, T646A, T655A.
Identifiers: ClinVar variation 179396 (VCV000179396.5), dbSNP rs727504842, ClinGen allele CA184342.